The following is an entry in ClinVar:

NM_001165963.4(SCN1A):c.4060T>G (p.Cys1354Gly)

Genes: SCN1A (sodium voltage-gated channel alpha subunit 1; minus strand), LOC102724058 (uncharacterized LOC102724058; plus strand). Cytogenetic location: 2q24.3.
Variant type: single nucleotide variant.
Coding change: c.4060T>G on transcript NM_001165963.4 (MANE Select); coding-DNA position 4060, T replaced by G.
Protein change: p.Cys1354Gly; replaces cysteine 1354 with glycine.
Molecular consequence: missense variant. On other transcripts: non-coding transcript variant (1).
Genome position (GRCh38, 1-based): chr2:166,002,696, A>C on the plus strand (T>G on the coding strand, the complement: SCN1A is on the minus strand). VCF-style: chr2-166002696-A-C. GRCh37 (hg19) VCF-style: chr2-166859206-A-C.
Other names: c.3976T>G, p.Cys1326Gly (NM_001165964.3, NM_001353957.2, NM_001353958.2); c.4060T>G, p.Cys1354Gly (NM_001202435.3, NM_001353948.2); c.4027T>G, p.Cys1343Gly (NM_001353949.2, NM_001353950.2, NM_001353951.2 and 2 more transcripts); c.4024T>G, p.Cys1342Gly (NM_001353954.2, NM_001353955.2); c.3973T>G, p.Cys1325Gly (NM_001353960.2); c.1618T>G, p.Cys540Gly (NM_001353961.2); short protein forms C1342G, C540G, C1325G, C1326G, C1343G, C1354G.
Identifiers: ClinVar variation 2986259 (VCV002986259.3), dbSNP rs1131691461, ClinGen allele CA349050660.
Genomic context (GRCh38, chr2:166,002,696, plus strand): 5'-AGAATTTGCCAGCAAACAAATTTACGCCCATGATGCTGAAAATTAGCCAGAATATAAGAC[A>C]AACCAGAAGCACATTCATGATGGATGGAATTGCTCCTAAAAGGGCATTCACAACCACCTA-3'
Protein context (NP_001159435.1, residues 1344-1364): IPSIMNVLLV[Cys1354Gly]LIFWLIFSIM

ClinVar aggregate classification (germline): Likely pathogenic (1 of 4 stars; one submission).

Conditions:
Early-infantile DEE. Also called: Ohtahara syndrome; Early infantile epileptic encephalopathy; Early infantile epileptic encephalopathy with suppression bursts. Identifiers: Orphanet 1934, MedGen C0393706, MONDO:0800491.

Submission:

Labcorp Genetics (formerly Invitae), Labcorp
Classification: Likely pathogenic for Early-infantile DEE. Last evaluated: 2023-07-29. Review status: criteria provided, single submitter. Criteria: Invitae Variant Classification Sherloc (09022015). Collection method: clinical testing. Allele origin: germline.
Comment: In summary, the currently available evidence indicates that the variant is pathogenic, but additional data are needed to prove that conclusively. Therefore, this variant has been classified as Likely Pathogenic. This variant disrupts the p.Cys1354 amino acid residue in SCN1A. Other variant(s) that disrupt this residue have been determined to be pathogenic (Invitae). This suggests that this residue is clinically significant, and that variants that disrupt this residue are likely to be disease-causing. Advanced modeling of protein sequence and biophysical properties (such as structural, functional, and spatial information, amino acid conservation, physicochemical variation, residue mobility, and thermodynamic stability) performed at Invitae indicates that this missense variant is expected to disrupt SCN1A protein function. This missense change has been observed in individual(s) with autosomal dominant SCN1A-related conditions (Invitae). This variant is not present in population databases (gnomAD no frequency). This sequence change replaces cysteine, which is neutral and slightly polar, with glycine, which is neutral and non-polar, at codon 1354 of the SCN1A protein (p.Cys1354Gly).